The following is an entry in ClinVar:

NM_080860.4(RSPH1):c.391G>A (p.Ala131Thr)

Gene: RSPH1 (radial spoke head component 1; minus strand). Cytogenetic location: 21q22.3.
Variant type: single nucleotide variant.
Coding change: c.391G>A on transcript NM_080860.4 (MANE Select); coding-DNA position 391, G replaced by A.
Protein change: p.Ala131Thr; replaces alanine 131 with threonine.
Molecular consequence: missense variant.
Genome position (GRCh38, 1-based): chr21:42,485,779, C>T on the plus strand (G>A on the coding strand, the complement: RSPH1 is on the minus strand). VCF-style: chr21-42485779-C-T. GRCh37 (hg19) VCF-style: chr21-43905889-C-T.
Other names: c.277G>A, p.Ala93Thr (NM_001286506.2); short protein forms A131T, A93T.
Identifiers: ClinVar variation 846299 (VCV000846299.8), dbSNP rs781199496, ClinGen allele CA10043950.

ClinVar aggregate classification (germline): Uncertain significance. Review status: criteria provided, multiple submitters, no conflicts (2 of 4 stars). 2 submissions from 2 submitters: Uncertain significance (2). Last evaluated 2021-08-27.

Conditions:
Primary ciliary dyskinesia 24 (CILD24). Also called: CILIARY DYSKINESIA, PRIMARY, 24, WITHOUT SITUS INVERSUS. Identifiers: Orphanet 244, MedGen C3809634, MONDO:0014202, OMIM 615481.
Primary ciliary dyskinesia. Also called: Ciliary dyskinesia. Identifiers: Orphanet 244, MedGen C0008780, MONDO:0016575, HP:0012265.

Allele frequency attached by ClinVar (database versions not stated): gnomAD 0.00002; TOPMed 0.00003.
gnomAD v4.1: 31 of 1,614,062 alleles (0.0019%); highest among the groups gnomAD compares: South Asian, 0.0099%; no homozygotes.

Submissions (2):

Labcorp Genetics (formerly Invitae), Labcorp
Classification: Uncertain significance for Primary ciliary dyskinesia. Last evaluated: 2021-08-27. Review status: criteria provided, single submitter. Criteria: Invitae Variant Classification Sherloc (09022015). Collection method: clinical testing. Allele origin: germline.
Comment: This sequence change replaces alanine with threonine at codon 131 of the RSPH1 protein (p.Ala131Thr). The alanine residue is moderately conserved and there is a small physicochemical difference between alanine and threonine. This variant is present in population databases (rs781199496, ExAC 0.01%). This variant has not been reported in the literature in individuals affected with RSPH1-related conditions. Algorithms developed to predict the effect of missense changes on protein structure and function are either unavailable or do not agree on the potential impact of this missense change (SIFT: "Tolerated"; PolyPhen-2: "Probably Damaging"; Align-GVGD: "Class C0"). In summary, the available evidence is currently insufficient to determine the role of this variant in disease. Therefore, it has been classified as a Variant of Uncertain Significance.

Baylor Genetics
Classification: Uncertain significance for Primary ciliary dyskinesia 24. Last evaluated: 2018-07-16. Review status: criteria provided, single submitter. Criteria: ACMG Guidelines, 2015. Collection method: clinical testing. Allele origin: paternal. Affected: yes.
Comment: This variant was determined to be of uncertain significance according to ACMG Guidelines, 2015 [PMID:25741868].